The following is an entry in ClinVar:

NM_004104.5(FASN):c.5920-3C>T

Gene: FASN (fatty acid synthase; minus strand). Cytogenetic location: 17q25.3.
Variant type: single nucleotide variant.
Coding change: c.5920-3C>T on transcript NM_004104.5 (MANE Select); 3 bases into the intron before coding-DNA position 5920, C replaced by T.
Molecular consequence: intron variant.
Genome position (GRCh38, 1-based): chr17:82,082,417, G>A on the plus strand (C>T on the coding strand, the complement: FASN is on the minus strand). VCF-style: chr17-82082417-G-A. GRCh37 (hg19) VCF-style: chr17-80040293-G-A.
Identifiers: ClinVar variation 3626566 (VCV003626566.2).
Genomic context (GRCh38, chr17:82,082,417, plus strand): 5'-TGCAGACGTCCTGGAAGAACTCTGGGGTCTGGTTCTCCAGCAAGCCATCTCTCAAGACCT[G>A]GGGGAGGCATCCTCAGCACTCCCTGCAGCTCCAGGGCCTCACCCGTCCACCCAGGGTCCC-3'

ClinVar aggregate classification (germline): Uncertain significance (1 of 4 stars; one submission).

Conditions:
Epileptic encephalopathy. Identifiers: MedGen C0543888, HP:0200134.

gnomAD v4.1: 8 of 1,612,460 alleles (0.0005%); highest among the groups gnomAD compares: African/African-American, 0.0013%; no homozygotes.

Submission:

Labcorp Genetics (formerly Invitae), Labcorp
Classification: Uncertain significance for Epileptic encephalopathy. Last evaluated: 2024-12-06. Review status: criteria provided, single submitter. Criteria: Invitae Variant Classification Sherloc (09022015). Collection method: clinical testing. Allele origin: germline.
Comment: This sequence change falls in intron 34 of the FASN gene. It does not directly change the encoded amino acid sequence of the FASN protein. It affects a nucleotide within the consensus splice site. This variant is present in population databases (no rsID available, gnomAD 0.002%). This variant has not been reported in the literature in individuals affected with FASN-related conditions. Variants that disrupt the consensus splice site are a relatively common cause of aberrant splicing (PMID: 17576681, 9536098). Algorithms developed to predict the effect of sequence changes on RNA splicing suggest that this variant is not likely to affect RNA splicing. In summary, the available evidence is currently insufficient to determine the role of this variant in disease. Therefore, it has been classified as a Variant of Uncertain Significance.

Literature cited by the submitters: PubMed 17576681; PubMed 9536098.